The following is an entry in ClinVar:

NM_173560.4(RFX6):c.2261C>T (p.Pro754Leu)

Gene: RFX6 (regulatory factor X6; plus strand). Cytogenetic location: 6q22.1.
Variant type: single nucleotide variant.
Coding change: c.2261C>T on transcript NM_173560.4 (MANE Select); coding-DNA position 2261, C replaced by T.
Protein change: p.Pro754Leu; replaces proline 754 with leucine.
Molecular consequence: missense variant.
Genome position (GRCh38, 1-based): chr6:116,927,402, C>T. VCF-style: chr6-116927402-C-T. GRCh37 (hg19) VCF-style: chr6-117248565-C-T.
Other names: short protein forms P754L.
Identifiers: ClinVar variation 1985742 (VCV001985742.3), dbSNP rs563217936, ClinGen allele CA3973509.

ClinVar aggregate classification (germline): Uncertain significance (1 of 4 stars; one submission).

Allele frequency attached by ClinVar (database versions not stated): gnomAD 0.00002; TOPMed 0.00003; ExAC 0.00008; 1000 Genomes Project 0.00020; 1000 Genomes Project 30x 0.00031.
gnomAD v4.1: 28 of 1,614,106 alleles (0.0017%); highest among the groups gnomAD compares: East Asian, 0.049%; no homozygotes.

Submission:

Labcorp Genetics (formerly Invitae), Labcorp
Classification: Uncertain significance. Last evaluated: 2022-04-03. Review status: criteria provided, single submitter. Criteria: Invitae Variant Classification Sherloc (09022015). Collection method: clinical testing. Allele origin: germline.
Comment: This sequence change replaces proline, which is neutral and non-polar, with leucine, which is neutral and non-polar, at codon 754 of the RFX6 protein (p.Pro754Leu). This variant is present in population databases (rs563217936, gnomAD 0.08%). This variant has not been reported in the literature in individuals affected with RFX6-related conditions. Algorithms developed to predict the effect of missense changes on protein structure and function are either unavailable or do not agree on the potential impact of this missense change (SIFT: "Deleterious"; PolyPhen-2: "Benign"; Align-GVGD: "Class C25"). In summary, the available evidence is currently insufficient to determine the role of this variant in disease. Therefore, it has been classified as a Variant of Uncertain Significance.